The following is an entry in ClinVar:

NM_014363.6(SACS):c.9333T>C (p.Asn3111=)

Gene: SACS (sacsin molecular chaperone; minus strand). Cytogenetic location: 13q12.12.
Variant type: single nucleotide variant.
Coding change: c.9333T>C on transcript NM_014363.6 (MANE Select); coding-DNA position 9333, T replaced by C.
Protein change: p.Asn3111=; no amino-acid change (asparagine 3111 retained).
Molecular consequence: synonymous variant.
Genome position (GRCh38, 1-based): chr13:23,334,543, A>G on the plus strand (T>C on the coding strand, the complement: SACS is on the minus strand). VCF-style: chr13-23334543-A-G. GRCh37 (hg19) VCF-style: chr13-23908682-A-G.
Other names: c.8892T>C, p.Asn2964= (NM_001278055.2).
Identifiers: ClinVar variation 698080 (VCV000698080.13), dbSNP rs150532740, ClinGen allele CA6910635.

ClinVar aggregate classification (germline): Benign/Likely benign. Review status: criteria provided, multiple submitters, no conflicts (2 of 4 stars). 4 submissions from 4 submitters: Benign (1); Likely benign (2). 1 of the submissions does not count toward it. Last evaluated 2026-01-04.

Conditions:
SACS-related disorder. Also called: SACS-related condition.
Charlevoix-Saguenay spastic ataxia (SACS). Also called: SPASTIC ATAXIA 6, AUTOSOMAL RECESSIVE; AUTOSOMAL RECESSIVE SPASTIC ATAXIA OF CHARLEVOIX-SAGUENAY; Spastic ataxia of Charlevoix-Saguenay. Identifiers: Orphanet 98, MedGen C1849140, MONDO:0010041, OMIM 270550.
Spastic paraplegia. Identifiers: MedGen C0037772, HP:0001258.

Allele frequency attached by ClinVar (database versions not stated): gnomAD exomes 0.00002 and 0.00004; ExAC 0.00004; gnomAD 0.00017 and 0.00019; TOPMed 0.00019; ESP Exome Variant Server 0.00031.
gnomAD v4.1: 56 of 1,613,454 alleles (0.0035%); highest among the groups gnomAD compares: African/African-American, 0.065%; no homozygotes.

Submissions (4):

PreventionGenetics, part of Exact Sciences
Classification: Likely benign for SACS-related condition. Last evaluated: 2026-01-04. Review status: criteria provided, single submitter. Criteria: ACMG Guidelines, 2015. Collection method: clinical testing. Allele origin: germline.
Comment: This variant is classified as likely benign based on ACMG/AMP sequence variant interpretation guidelines (Richards et al. 2015 PMID: 25741868, with internal and published modifications).

Labcorp Genetics (formerly Invitae), Labcorp
Classification: Likely benign for Spastic paraplegia. Last evaluated: 2024-02-12. Review status: criteria provided, single submitter. Criteria: Invitae Variant Classification Sherloc (09022015). Collection method: clinical testing. Allele origin: germline.

Athena Diagnostics
Classification: Benign. Last evaluated: 2018-12-10. Review status: criteria provided, single submitter. Criteria: Athena Diagnostics Criteria. Collection method: clinical testing. Allele origin: germline.

Natera, Inc.
Classification: Likely benign for Charlevoix-Saguenay type spastic ataxia. Last evaluated: 2020-03-05. Review status: no assertion criteria provided. Collection method: clinical testing. Allele origin: germline. Not counted in ClinVar's aggregate classification.